The following is an entry in ClinVar:

NM_000059.4(BRCA2):c.779A>G (p.Glu260Gly)

Gene: BRCA2 (BRCA2 DNA repair associated; plus strand). Cytogenetic location: 13q13.1.
Variant type: single nucleotide variant.
Coding change: c.779A>G on transcript NM_000059.4 (MANE Select); coding-DNA position 779, A replaced by G.
Protein change: p.Glu260Gly; replaces glutamic acid 260 with glycine.
Molecular consequence: missense variant.
Genome position (GRCh38, 1-based): chr13:32,331,016, A>G. VCF-style: chr13-32331016-A-G. GRCh37 (hg19) VCF-style: chr13-32905153-A-G.
Other names: short protein forms E260G.
Identifiers: ClinVar variation 827256 (VCV000827256.16), dbSNP rs1593890381, ClinGen allele CA387760209.

ClinVar aggregate classification (germline): Uncertain significance. Review status: criteria provided, multiple submitters, no conflicts (2 of 4 stars). 3 submissions from 3 submitters: Uncertain significance (3). Last evaluated 2024-11-15.

Conditions:
Hereditary cancer-predisposing syndrome. Also called: Neoplastic Syndromes, Hereditary; Tumor predisposition; Hereditary neoplastic syndrome; Hereditary Cancer Syndrome. Identifiers: Orphanet 140162, MedGen C0027672, MeSH D009386, MONDO:0015356.
Hereditary breast ovarian cancer syndrome. Also called: Hereditary breast and ovarian cancer syndrome; Hereditary breast and ovarian cancer; Hereditary breast and ovarian cancer syndrome (HBOC); Breast and ovarian cancer; Hereditary breast and/or ovarian cancer syndrome; BRCA1- and BRCA2-Associated Hereditary Breast and Ovarian Cancer. Identifiers: Orphanet 145, MedGen C0677776, MeSH D061325, MONDO:0003582. Disease mechanism: loss of function.

Allele frequency attached by ClinVar (database versions not stated): gnomAD exomes below 0.00001.
gnomAD v4.1: 2 of 1,610,108 alleles (0.00012%); highest among the groups gnomAD compares: Non-Finnish European, 0.00017%; no homozygotes.

Submissions (3):

Ambry Genetics
Classification: Uncertain significance for Hereditary cancer-predisposing syndrome. Last evaluated: 2024-11-15. Review status: criteria provided, single submitter. Criteria: Ambry Variant Classification Scheme 2023. Collection method: clinical testing. Allele origin: germline.
Comment: The p.E260G variant (also known as c.779A>G), located in coding exon 8 of the BRCA2 gene, results from an A to G substitution at nucleotide position 779. The glutamic acid at codon 260 is replaced by glycine, an amino acid with similar properties. This amino acid position is well conserved in available vertebrate species. In addition, this alteration is predicted to be tolerated by in silico analysis. Since supporting evidence is limited at this time, the clinical significance of this alteration remains unclear.

Labcorp Genetics (formerly Invitae), Labcorp
Classification: Uncertain significance for Hereditary breast ovarian cancer syndrome. Last evaluated: 2020-11-05. Review status: criteria provided, single submitter. Criteria: Invitae Variant Classification Sherloc (09022015). Collection method: clinical testing. Allele origin: germline.
Comment: In summary, the available evidence is currently insufficient to determine the role of this variant in disease. Therefore, it has been classified as a Variant of Uncertain Significance. Advanced modeling of protein sequence and biophysical properties (such as structural, functional, and spatial information, amino acid conservation, physicochemical variation, residue mobility, and thermodynamic stability) performed at Invitae indicates that this missense variant is not expected to disrupt BRCA2 protein function. This variant has not been reported in the literature in individuals with BRCA2-related conditions. ClinVar contains an entry for this variant (Variation ID: 827256). This variant is not present in population databases (ExAC no frequency). This sequence change replaces glutamic acid with glycine at codon 260 of the BRCA2 protein (p.Glu260Gly). The glutamic acid residue is weakly conserved and there is a moderate physicochemical difference between glutamic acid and glycine.

Color Diagnostics, LLC DBA Color Health
Classification: Uncertain significance for Hereditary cancer-predisposing syndrome. Last evaluated: 2019-12-10. Review status: criteria provided, single submitter. Criteria: ACMG Guidelines, 2015. Collection method: clinical testing. Allele origin: germline.
Comment: This missense variant replaces glutamic acid with glycine at codon 260 of the BRCA2 protein. Computational prediction suggests that this variant may not impact protein structure and function (internally defined REVEL score threshold <= 0.5, PMID: 27666373). Splice site prediction tools suggest that this variant may not impact RNA splicing. To our knowledge, functional studies have not been performed for this variant. This variant has not been reported in individuals affected with hereditary cancer in the literature. This variant has not been identified in the general population by the Genome Aggregation Database (gnomAD). The available evidence is insufficient to determine the role of this variant in disease conclusively. Therefore, this variant is classified as a Variant of Uncertain Significance.